The following is an entry in ClinVar:

NM_153816.6(SNX14):c.1038T>A (p.Leu346=)

Gene: SNX14 (sorting nexin 14; minus strand). Cytogenetic location: 6q14.3.
Variant type: single nucleotide variant.
Coding change: c.1038T>A on transcript NM_153816.6 (MANE Select); coding-DNA position 1038, T replaced by A.
Protein change: p.Leu346=; no amino-acid change (leucine 346 retained).
Molecular consequence: synonymous variant. On other transcripts: 5 prime UTR variant (7), non-coding transcript variant (6).
Genome position (GRCh38, 1-based): chr6:85,547,182, A>T on the plus strand (T>A on the coding strand, the complement: SNX14 is on the minus strand). VCF-style: chr6-85547182-A-T. GRCh37 (hg19) VCF-style: chr6-86256900-A-T.
Other names: c.1038T>A, p.Leu346= (NM_001297614.3, NM_001350540.2, NM_001350541.2); c.882T>A, p.Leu294= (NM_001304479.2); c.1101T>A, p.Leu367= (NM_001350532.2); c.1035T>A, p.Leu345= (NM_001350533.2, NM_001350534.2, NM_001350535.2); c.906T>A, p.Leu302= (NM_001350536.2, NM_020468.6); c.903T>A, p.Leu301= (NM_001350537.2); c.894T>A, p.Leu298= (NM_001350538.2); c.879T>A, p.Leu293= (NM_001350539.2); and 7 more.
Identifiers: ClinVar variation 1906265 (VCV001906265.7), dbSNP rs745376647, ClinGen allele CA3912237.

ClinVar aggregate classification (germline): Likely benign. Review status: criteria provided, multiple submitters, no conflicts (2 of 4 stars). 3 submissions from 3 submitters: Likely benign (3). Last evaluated 2026-09-01.

Allele frequency attached by ClinVar (database versions not stated): ExAC 0.00001; gnomAD 0.00001; gnomAD exomes 0.00001; TOPMed 0.00001.
gnomAD v4.1: 7 of 1,613,964 alleles (0.00043%); highest among the groups gnomAD compares: Admixed American, 0.01%; no homozygotes.

Submissions (3):

CeGaT Center for Human Genetics Tuebingen
Classification: Likely benign. Last evaluated: 2026-09-01. Review status: criteria provided, single submitter. Criteria: CeGaT Center For Human Genetics Tuebingen Variant Classification Criteria Version 2. Collection method: clinical testing. Allele origin: germline. Affected: yes. Observed: 1 variant allele.
Comment: SNX14: BP4, BP7

Women's Health and Genetics/Laboratory Corporation of America, LabCorp
Classification: Likely benign. Last evaluated: 2026-05-29. Review status: criteria provided, single submitter. Criteria: LabCorp Variant Classification Summary - May 2015. Collection method: clinical testing. Allele origin: germline.

Labcorp Genetics (formerly Invitae), Labcorp
Classification: Likely benign. Last evaluated: 2022-08-22. Review status: criteria provided, single submitter. Criteria: Invitae Variant Classification Sherloc (09022015). Collection method: clinical testing. Allele origin: germline.